The following is an entry in ClinVar:

NM_017635.5(KMT5B):c.136G>A (p.Ala46Thr)

Gene: KMT5B (lysine methyltransferase 5B; minus strand). Cytogenetic location: 11q13.2.
Variant type: single nucleotide variant.
Coding change: c.136G>A on transcript NM_017635.5 (MANE Select); coding-DNA position 136, G replaced by A.
Protein change: p.Ala46Thr; replaces alanine 46 with threonine.
Molecular consequence: missense variant. On other transcripts: 5 prime UTR variant (8), non-coding transcript variant (3), intron variant (2).
Genome position (GRCh38, 1-based): chr11:68,189,941, C>T on the plus strand (G>A on the coding strand, the complement: KMT5B is on the minus strand). VCF-style: chr11-68189941-C-T. GRCh37 (hg19) VCF-style: chr11-67957408-C-T.
Other names: c.-449G>A (NM_001300907.1); c.-532G>A (NM_001300908.2); c.136G>A, p.Ala46Thr (NM_001300909.2, NM_001363566.2, NM_001369426.1 and 2 more transcripts); c.-528G>A (NM_001369424.1, NM_001369431.1, NM_001369432.1); c.-742G>A (NM_001369428.1); c.-233G>A (NM_001369429.1); c.-1043G>A (NM_001369433.1); c.-434-4013G>A (NM_001369430.1); and 2 more; short protein forms A46T.
Identifiers: ClinVar variation 3026001 (VCV003026001.23), dbSNP rs138431226, ClinGen allele CA6148504.

ClinVar aggregate classification (germline): Likely benign. Review status: criteria provided, single submitter (1 of 4 stars). 2 submissions from 2 submitters: Likely benign (1). 1 of the submissions does not count toward it. Last evaluated 2026-03-01.

Conditions:
KMT5B-related disorder. Also called: KMT5B-related condition.

Allele frequency attached by ClinVar (database versions not stated): gnomAD exomes 0.00056; 1000 Genomes Project 30x 0.00062; 1000 Genomes Project 0.00080; gnomAD 0.00127; TOPMed 0.00138; ESP Exome Variant Server 0.00162; ExAC 0.00049.
gnomAD v4.1: 1,033 of 1,614,172 alleles (0.064%); highest among the groups gnomAD compares: African/African-American, 0.35%; 2 homozygotes.

Submissions (2):

CeGaT Center for Human Genetics Tuebingen
Classification: Likely benign. Last evaluated: 2026-03-01. Review status: criteria provided, single submitter. Criteria: CeGaT Center For Human Genetics Tuebingen Variant Classification Criteria Version 2. Collection method: clinical testing. Allele origin: germline. Affected: yes. Observed: 3 variant alleles.
Comment: KMT5B: BP4, BS1

PreventionGenetics, part of Exact Sciences
Classification: Likely benign for KMT5B-related condition. Last evaluated: 2023-12-05. Review status: no assertion criteria provided. Collection method: clinical testing. Allele origin: germline. Not counted in ClinVar's aggregate classification.
Comment: This variant is classified as likely benign based on ACMG/AMP sequence variant interpretation guidelines (Richards et al. 2015 PMID: 25741868, with internal and published modifications).